The following is an entry in ClinVar:

ClinVar aggregate classification (germline): Likely benign (0 of 4 stars; one submission).

Conditions:
TNS1-related disorder. Also called: TNS1-related condition.

Allele frequency attached by ClinVar (database versions not stated): ExAC 0.00082; gnomAD 0.00086; TOPMed 0.00086; ESP Exome Variant Server 0.00092; gnomAD exomes 0.00133.
gnomAD v4.1: 2,044 of 1,614,108 alleles (0.13%); highest among the groups gnomAD compares: Non-Finnish European, 0.16%; 3 homozygotes.

Submission:

PreventionGenetics, part of Exact Sciences
Classification: Likely benign for TNS1-related condition. Last evaluated: 2019-04-09. Review status: no assertion criteria provided. Collection method: clinical testing. Allele origin: germline.
Comment: This variant is classified as likely benign based on ACMG/AMP sequence variant interpretation guidelines (Richards et al. 2015 PMID: 25741868, with internal and published modifications).

NM_001387777.1(TNS1):c.4563C>T (p.Ser1521=)

Gene: TNS1 (tensin 1; minus strand). Cytogenetic location: 2q35.
Variant type: single nucleotide variant.
Coding change: c.4563C>T on transcript NM_001387777.1 (MANE Select); coding-DNA position 4563, C replaced by T.
Protein change: p.Ser1521=; no amino-acid change (serine 1521 retained).
Molecular consequence: synonymous variant.
Genome position (GRCh38, 1-based): chr2:217,817,769, G>A on the plus strand (C>T on the coding strand, the complement: TNS1 is on the minus strand). VCF-style: chr2-217817769-G-A. GRCh37 (hg19) VCF-style: chr2-218682492-G-A.
Other names: c.4212C>T, p.Ser1404= (NM_001308022.2); c.4188C>T, p.Ser1396= (NM_001308023.2); c.4251C>T, p.Ser1417= (NM_022648.7).
Identifiers: ClinVar variation 3038319 (VCV003038319.2), dbSNP rs149122582, ClinGen allele CA2099589.
Genomic context (GRCh38, chr2:217,817,769, plus strand): 5'-GAAGTCGGGCAGAGTGTGGGAGAAGGAGACGGTGCTGCCCCCACTGGGACTGGACATGCC[G>A]CTGGCGACAGGCGAAGACACCTTCCCATTGATGGTGGCATAGTTGGGGAGGCTGCCTGCC-3'
Protein context (NP_001374706.1, residues 1511-1531): INGKVSSPVA[Ser1521=]GMSSPSGGST